The following is an entry in ClinVar:

NM_017780.4(CHD7):c.2699C>G (p.Pro900Arg)

Gene: CHD7 (chromodomain helicase DNA binding protein 7; plus strand). Cytogenetic location: 8q12.2.
Variant type: single nucleotide variant.
Coding change: c.2699C>G on transcript NM_017780.4 (MANE Select); coding-DNA position 2699, C replaced by G.
Protein change: p.Pro900Arg; replaces proline 900 with arginine.
Molecular consequence: missense variant. On other transcripts: intron variant (1).
Genome position (GRCh38, 1-based): chr8:60,821,791, C>G. VCF-style: chr8-60821791-C-G. GRCh37 (hg19) VCF-style: chr8-61734350-C-G.
Other names: c.1717-40438C>G (NM_001316690.1); short protein forms P900R.
Identifiers: ClinVar variation 946087 (VCV000946087.10), dbSNP rs755233517, ClinGen allele CA4759807.

ClinVar aggregate classification (germline): Uncertain significance. Review status: criteria provided, multiple submitters, no conflicts (2 of 4 stars). 2 submissions from 2 submitters: Uncertain significance (2). Last evaluated 2024-10-05.

Conditions:
Hypogonadotropic hypogonadism 5 with or without anosmia (KAL5). Also called: HYPOGONADOTROPIC HYPOGONADISM 5 WITH ANOSMIA; HYPOGONADOTROPHIC HYPOGONADISM 5 WITHOUT ANOSMIA; CHD7-Related GnRH Deficiency (Kallmann Syndrome 5). Identifiers: Orphanet 478, MedGen C3552553, MONDO:0012880, OMIM 612370. Disease mechanism: loss of function.
CHARGE syndrome (CHARGE). Also called: Hittner Hirsch Kreh syndrome; Coloboma, heart anomaly, choanal atresia, retardation, genital and ear anomalies; CHARGE association; Hall-Hittner syndrome; CHARGE ASSOCIATION--COLOBOMA, HEART ANOMALY, CHOANAL ATRESIA, RETARDATION, GENITAL AND EAR ANOMALIES. Identifiers: Orphanet 138, MedGen C0265354, MONDO:0008965.

Allele frequency attached by ClinVar (database versions not stated): ExAC below 0.00001; gnomAD 0.00001; gnomAD exomes 0.00001 and 0.00004; TOPMed 0.00004.
gnomAD v4.1: 5 of 1,555,914 alleles (0.00032%); highest among the groups gnomAD compares: East Asian, 0.012%; no homozygotes.

Submissions (2):

Labcorp Genetics (formerly Invitae), Labcorp
Classification: Uncertain significance for CHARGE syndrome. Last evaluated: 2024-10-05. Review status: criteria provided, single submitter. Criteria: Invitae Variant Classification Sherloc (09022015). Collection method: clinical testing. Allele origin: germline.
Comment: This sequence change replaces proline, which is neutral and non-polar, with arginine, which is basic and polar, at codon 900 of the CHD7 protein (p.Pro900Arg). This variant is present in population databases (rs755233517, gnomAD 0.06%). This missense change has been observed in individual(s) with combined immunodeficiency (PMID: 32185379). ClinVar contains an entry for this variant (Variation ID: 946087). An algorithm developed to predict the effect of missense changes on protein structure and function (PolyPhen-2) suggests that this variant is likely to be disruptive. In summary, the available evidence is currently insufficient to determine the role of this variant in disease. Therefore, it has been classified as a Variant of Uncertain Significance.

Fulgent Genetics
Classification: Uncertain significance for CHD7-related CHARGE syndrome; Hypogonadotropic hypogonadism 5 with or without anosmia. Last evaluated: 2022-01-13. Review status: criteria provided, single submitter. Criteria: ACMG Guidelines, 2015. Collection method: clinical testing. Allele origin: unknown.

Literature cited by the submitters: PubMed 32185379 (cited by Labcorp Genetics (formerly Invitae), Labcorp).